The following is an entry in ClinVar:

ClinVar aggregate classification (germline): Likely benign. Review status: criteria provided, multiple submitters, no conflicts (2 of 4 stars). 3 submissions from 3 submitters: Likely benign (2). 1 of the submissions does not count toward it. Last evaluated 2026-01-12.

Conditions:
SEMA3E-related disorder. Also called: SEMA3E-related condition.
CHARGE syndrome (CHARGE). Also called: Hittner Hirsch Kreh syndrome; CHARGE ASSOCIATION--COLOBOMA, HEART ANOMALY, CHOANAL ATRESIA, RETARDATION, GENITAL AND EAR ANOMALIES; Coloboma, heart anomaly, choanal atresia, retardation, genital and ear anomalies; CHARGE association; Hall-Hittner syndrome. Identifiers: Orphanet 138, MedGen C0265354, MONDO:0008965.

Allele frequency attached by ClinVar (database versions not stated): ESP Exome Variant Server 0.00008; gnomAD exomes 0.00008 and 0.00034; gnomAD 0.00013 and 0.00014; TOPMed 0.00016; 1000 Genomes Project 0.00020; 1000 Genomes Project 30x 0.00031; ExAC 0.00035.
gnomAD v4.1: 131 of 1,611,924 alleles (0.0081%); highest among the groups gnomAD compares: Admixed American, 0.17%; no homozygotes.

Submissions (3):

Labcorp Genetics (formerly Invitae), Labcorp
Classification: Likely benign for CHARGE syndrome. Last evaluated: 2026-01-12. Review status: criteria provided, single submitter. Criteria: Invitae Variant Classification Sherloc (09022015). Collection method: clinical testing. Allele origin: germline.

Blueprint Genetics
Classification: Likely benign. Last evaluated: 2024-07-26. Review status: criteria provided, single submitter. Criteria: ACMG Guidelines, 2015. Collection method: clinical testing. Allele origin: germline.

PreventionGenetics, part of Exact Sciences
Classification: Likely benign for SEMA3E-related condition. Last evaluated: 2019-05-20. Review status: no assertion criteria provided. Collection method: clinical testing. Allele origin: germline. Not counted in ClinVar's aggregate classification.
Comment: This variant is classified as likely benign based on ACMG/AMP sequence variant interpretation guidelines (Richards et al. 2015 PMID: 25741868, with internal and published modifications).

NM_012431.3(SEMA3E):c.1348G>A (p.Val450Ile)

Gene: SEMA3E (semaphorin 3E; minus strand). Cytogenetic location: 7q21.11.
Variant type: single nucleotide variant.
Coding change: c.1348G>A on transcript NM_012431.3 (MANE Select); coding-DNA position 1348, G replaced by A.
Protein change: p.Val450Ile; replaces valine 450 with isoleucine.
Molecular consequence: missense variant.
Genome position (GRCh38, 1-based): chr7:83,400,046, C>T on the plus strand (G>A on the coding strand, the complement: SEMA3E is on the minus strand). VCF-style: chr7-83400046-C-T. GRCh37 (hg19) VCF-style: chr7-83029362-C-T.
Other names: c.1168G>A, p.Val390Ile (NM_001178129.2); short protein forms V450I, V390I.
Identifiers: ClinVar variation 698832 (VCV000698832.14), dbSNP rs190791287, ClinGen allele CA4322060.